The following is an entry in ClinVar:

NM_001370259.2(MEN1):c.654+4T>A

Gene: MEN1 (menin 1; minus strand). Cytogenetic location: 11q13.1.
Variant type: single nucleotide variant.
Coding change: c.654+4T>A on transcript NM_001370259.2 (MANE Select); 4 bases into the intron after coding-DNA position 654, T replaced by A.
Molecular consequence: intron variant.
Genome position (GRCh38, 1-based): chr11:64,807,887, A>T on the plus strand (T>A on the coding strand, the complement: MEN1 is on the minus strand). VCF-style: chr11-64807887-A-T. GRCh37 (hg19) VCF-style: chr11-64575359-A-T.
Other names: c.669+4T>A (NM_130804.3, NM_130803.3, NM_000244.4 and 5 more transcripts); c.549+109T>A (NM_001407148.1, NM_001407149.1, NM_001407151.1 and 2 more transcripts); c.654+4T>A (NM_130799.3, NM_001407144.1, NM_001370260.2 and 7 more transcripts).
Identifiers: ClinVar variation 3773352 (VCV003773352.1).

ClinVar aggregate classification (germline): Likely benign (1 of 4 stars; one submission).

Conditions:
Multiple endocrine neoplasia, type 1 (MEN1). Also called: MEN I; WERMER SYNDROME; Endocrine adenomatosis multiple; MEN 1; MEA I. Identifiers: Orphanet 652, MedGen C0025267, MeSH D018761, MONDO:0007540, OMIM 131100.

Submission:

Myriad Genetics, Inc.
Classification: Likely benign for Multiple endocrine neoplasia, type 1. Last evaluated: 2024-11-01. Review status: criteria provided, single submitter. Criteria: Myriad Autosomal Dominant, Autosomal Recessive and X-Linked Classification Criteria (2023). Collection method: clinical testing. Allele origin: unknown.
Comment: This variant is considered likely benign. This variant is intronic and is not expected to impact mRNA splicing.